The following is an entry in ClinVar:

NM_000219.6(KCNE1):c.59C>T (p.Thr20Ile)

Gene: KCNE1 (potassium voltage-gated channel subfamily E regulatory subunit 1; minus strand). Cytogenetic location: 21q22.12.
Variant type: single nucleotide variant.
Coding change: c.59C>T on transcript NM_000219.6 (MANE Select); coding-DNA position 59, C replaced by T.
Protein change: p.Thr20Ile; replaces threonine 20 with isoleucine.
Molecular consequence: missense variant.
Genome position (GRCh38, 1-based): chr21:34,449,576, G>A on the plus strand (C>T on the coding strand, the complement: KCNE1 is on the minus strand). VCF-style: chr21-34449576-G-A. GRCh37 (hg19) VCF-style: chr21-35821874-G-A.
Other names: p.Thr20Ile; c.59C>T (LRG_290t1); c.59C>T, p.Thr20Ile (NM_001127668.4, NM_001127669.4, NM_001127670.4 and 4 more transcripts); short protein forms T20I.
Identifiers: ClinVar variation 132681 (VCV000132681.4), dbSNP rs199473349, ClinGen allele CA331968.

ClinVar aggregate classification (germline): Uncertain significance. Review status: criteria provided, single submitter (1 of 4 stars). 2 submissions from 2 submitters: Uncertain significance (1). 1 of the submissions does not count toward it. Last evaluated 2025-10-17.

Conditions:
Familial long QT syndrome (RWS). Also called: Congenital long QT syndrome; VENTRICULAR FIBRILLATION WITH PROLONGED QT INTERVAL; Romano-Ward syndrome. Identifiers: Orphanet 768, MedGen C1141890, MONDO:0019171.

Allele frequency attached by ClinVar (database versions not stated): gnomAD exomes below 0.00001.

Submissions (3):

Mayo Clinic Laboratories, Mayo Clinic
Classification: Uncertain significance. Last evaluated: 2025-10-17. Review status: criteria provided, single submitter. Criteria: ACMG Guidelines, 2015. Collection method: clinical testing. Allele origin: germline. Observed: 1 variant allele.
Comment: PM2_supporting

Cardiovascular Biomedical Research Unit, Royal Brompton & Harefield NHS Foundation Trust
No classification provided. Condition: Familial long QT syndrome. Review status: no classification provided. Collection method: literature only. Allele origin: germline. Not counted in ClinVar's aggregate classification.
Comment: This variant has been reported as associated with Long QT syndrome in the following publications (PMID:19322600). This is a literature report, and does not necessarily reflect the clinical interpretation of the Imperial College / Royal Brompton Cardiovascular Genetics laboratory.

Roden Lab, Vanderbilt University Medical Center
No classification provided (evidence only). Condition: Long QT syndrome 5. Review status: no classification provided. Collection method: in vitro. Allele origin: not applicable. Functional consequence: Effect on ion channel function. Not counted in ClinVar's aggregate classification.
ClinVar note: "not provided" was previously submitted as the classification for the variant. However, the classification appeared to be based only on an observation of functional data so it was converted to no classification on 2025-07-30.

Literature cited by the submitters: PubMed 19302788 (cited by Mayo Clinic Laboratories, Mayo Clinic); PubMed 19322600 (cited by Mayo Clinic Laboratories, Mayo Clinic and Cardiovascular Biomedical Research Unit, Royal Brompton & Harefield NHS Foundation Trust); PubMed 24710009 (cited by Mayo Clinic Laboratories, Mayo Clinic); PubMed 30461122 (cited by Mayo Clinic Laboratories, Mayo Clinic); PubMed 31043699 (cited by Mayo Clinic Laboratories, Mayo Clinic); PubMed 38816749 (cited by Mayo Clinic Laboratories, Mayo Clinic); PubMed 40236191 (cited by Mayo Clinic Laboratories, Mayo Clinic); PubMed 22581653 (cited by Cardiovascular Biomedical Research Unit, Royal Brompton & Harefield NHS Foundation Trust).